The following is an entry in ClinVar:

ClinVar aggregate classification (germline): Uncertain significance. Review status: criteria provided, multiple submitters, no conflicts (2 of 4 stars). 2 submissions from 2 submitters: Uncertain significance (2). Last evaluated 2025-04-29.

Allele frequency attached by ClinVar (database versions not stated): ExAC 0.00002; gnomAD exomes 0.00001; TOPMed 0.00005.

Submissions (2):

GeneDx
Classification: Uncertain significance. Last evaluated: 2025-04-29. Review status: criteria provided, single submitter. Criteria: GeneDx Variant Classification Process June 2021. Collection method: clinical testing. Allele origin: germline. Affected: yes.
Comment: In silico analysis indicates that this missense variant does not alter protein structure/function; Has not been previously published as pathogenic or benign to our knowledge

Labcorp Genetics (formerly Invitae), Labcorp
Classification: Uncertain significance. Last evaluated: 2022-08-16. Review status: criteria provided, single submitter. Criteria: Invitae Variant Classification Sherloc (09022015). Collection method: clinical testing. Allele origin: germline.
Comment: This sequence change replaces arginine, which is basic and polar, with glutamine, which is neutral and polar, at codon 258 of the ERCC2 protein (p.Arg258Gln). This variant is present in population databases (rs759930858, gnomAD 0.006%). This variant has not been reported in the literature in individuals affected with ERCC2-related conditions. ClinVar contains an entry for this variant (Variation ID: 1427134). Algorithms developed to predict the effect of missense changes on protein structure and function are either unavailable or do not agree on the potential impact of this missense change (SIFT: "Deleterious"; PolyPhen-2: "Benign"; Align-GVGD: "Class C0"). Algorithms developed to predict the effect of sequence changes on RNA splicing suggest that this variant may create or strengthen a splice site. In summary, the available evidence is currently insufficient to determine the role of this variant in disease. Therefore, it has been classified as a Variant of Uncertain Significance.

NM_000400.4(ERCC2):c.773G>A (p.Arg258Gln)

Gene: ERCC2 (ERCC excision repair 2, TFIIH core complex helicase subunit; minus strand). Cytogenetic location: 19q13.32.
Variant type: single nucleotide variant.
Coding change: c.773G>A on transcript NM_000400.4 (MANE Select); coding-DNA position 773, G replaced by A.
Protein change: p.Arg258Gln; replaces arginine 258 with glutamine.
Molecular consequence: missense variant.
Genome position (GRCh38, 1-based): chr19:45,364,277, C>T on the plus strand (G>A on the coding strand, the complement: ERCC2 is on the minus strand). VCF-style: chr19-45364277-C-T. GRCh37 (hg19) VCF-style: chr19-45867535-C-T.
Other names: c.701G>A, p.Arg234Gln (NM_001130867.2); c.773G>A (NM_000400.3); short protein forms R258Q, R234Q.
Identifiers: ClinVar variation 1427134 (VCV001427134.6), dbSNP rs759930858, ClinGen allele CA9513635.